The following is an entry in ClinVar:

ClinVar aggregate classification (germline): Uncertain significance (1 of 4 stars; one submission).

Conditions:
Hereditary cancer-predisposing syndrome. Also called: Neoplastic Syndromes, Hereditary; Hereditary Cancer Syndrome; Tumor predisposition; Hereditary neoplastic syndrome. Identifiers: Orphanet 140162, MedGen C0027672, MeSH D009386, MONDO:0015356.

Submission:

Ambry Genetics
Classification: Uncertain significance for Hereditary cancer-predisposing syndrome. Last evaluated: 2024-12-30. Review status: criteria provided, single submitter. Criteria: Ambry Variant Classification Scheme 2023. Collection method: clinical testing. Allele origin: germline.
Comment: The p.P1091S variant (also known as c.3271C>T), located in coding exon 20 of the RET gene, results from a C to T substitution at nucleotide position 3271. The proline at codon 1091 is replaced by serine, an amino acid with similar properties. This amino acid position is conserved. In addition, this alteration is predicted to be tolerated by in silico analysis. Based on the available evidence, the clinical significance of this variant remains unclear.

NM_020975.6(RET):c.3271C>T (p.Pro1091Ser)

Gene: RET (ret proto-oncogene; plus strand). Cytogenetic location: 10q11.21.
Variant type: single nucleotide variant.
Coding change: c.3271C>T on transcript NM_020975.6 (MANE Select); coding-DNA position 3271, C replaced by T.
Protein change: p.Pro1091Ser; replaces proline 1091 with serine.
Molecular consequence: missense variant. On other transcripts: 3 prime UTR variant (18), intron variant (3).
Genome position (GRCh38, 1-based): chr10:43,128,195, C>T. VCF-style: chr10-43128195-C-T. GRCh37 (hg19) VCF-style: chr10-43623643-C-T.
Other names: c.*1441C>T (NM_001355216.2, NM_001406764.1, NM_001406765.1 and 15 more transcripts); c.3271C>T, p.Pro1091Ser (NM_001406743.1); c.3211C>T, p.Pro1071Ser (NM_001406759.1, NM_001406760.1); c.3142C>T, p.Pro1048Ser (NM_001406761.1, NM_001406762.1); c.3136C>T, p.Pro1046Ser (NM_001406763.1); c.2983C>T, p.Pro995Ser (NM_001406766.1, NM_001406767.1); c.2875C>T, p.Pro959Ser (NM_001406769.1); c.2833C>T, p.Pro945Ser (NM_001406771.1); and 10 more; short protein forms P1091S, P696S, P792S, P829S, P849S, P959S, P1046S, P1048S.
Identifiers: ClinVar variation 3788315 (VCV003788315.1).